The following is an entry in ClinVar:

ClinVar aggregate classification (germline): Uncertain significance (1 of 4 stars; one submission).

Conditions:
Hereditary cancer-predisposing syndrome. Also called: Hereditary Cancer Syndrome; Neoplastic Syndromes, Hereditary; Tumor predisposition; Hereditary neoplastic syndrome. Identifiers: Orphanet 140162, MedGen C0027672, MeSH D009386, MONDO:0015356.

Submission:

Ambry Genetics
Classification: Uncertain significance for Hereditary cancer-predisposing syndrome. Last evaluated: 2026-07-07. Review status: criteria provided, single submitter. Criteria: Ambry Variant Classification Scheme 2023. Collection method: clinical testing. Allele origin: germline.
Comment: The p.M650L variant (also known as c.1948A>C), located in coding exon 17 of the EGFR gene, results from an A to C substitution at nucleotide position 1948. The methionine at codon 650 is replaced by leucine, an amino acid with highly similar properties. This amino acid position is conserved. In addition, this alteration is predicted to be tolerated by in silico analysis. Based on the available evidence, the clinical significance of this variant remains unclear.

NM_005228.5(EGFR):c.1948A>C (p.Met650Leu)

Gene: EGFR (epidermal growth factor receptor; plus strand). Cytogenetic location: 7p11.2.
Variant type: single nucleotide variant.
Coding change: c.1948A>C on transcript NM_005228.5 (MANE Select); coding-DNA position 1948, A replaced by C.
Protein change: p.Met650Leu; replaces methionine 650 with leucine.
Molecular consequence: missense variant.
Genome position (GRCh38, 1-based): chr7:55,173,011, A>C. VCF-style: chr7-55173011-A-C. GRCh37 (hg19) VCF-style: chr7-55240704-A-C.
Other names: c.1813A>C, p.Met605Leu (NM_001346897.2, NM_001346899.2); c.1948A>C, p.Met650Leu (NM_001346898.2); c.1789A>C, p.Met597Leu (NM_001346900.2); c.1147A>C, p.Met383Leu (NM_001346941.2); short protein forms M597L, M383L, M650L, M605L.
Identifiers: ClinVar variation 5035785 (VCV005035785.1).